The following is an entry in ClinVar:

ClinVar aggregate classification (germline): Uncertain significance (1 of 4 stars; one submission).

Submission:

Labcorp Genetics (formerly Invitae), Labcorp
Classification: Uncertain significance. Last evaluated: 2025-08-20. Review status: criteria provided, single submitter. Criteria: Invitae Variant Classification Sherloc (09022015). Collection method: clinical testing. Allele origin: germline.
Comment: This sequence change replaces glycine, which is neutral and non-polar, with asparagine, which is neutral and polar, at codon 241 of the KRT6A protein (p.Gly241Asn). Information on the frequency of this variant in the gnomAD database is not available, as this variant may be reported differently in the database. This variant has not been reported in the literature in individuals affected with KRT6A-related conditions. An algorithm developed to predict the effect of missense changes on protein structure and function (PolyPhen-2) suggests that this variant is likely to be tolerated. In summary, the available evidence is currently insufficient to determine the role of this variant in disease. Therefore, it has been classified as a Variant of Uncertain Significance.

NM_005554.4(KRT6A):c.721_722delinsAA (p.Gly241Asn)

Gene: KRT6A (keratin 6A; minus strand). Cytogenetic location: 12q13.13.
Variant type: Indel.
Coding change: c.721_722delinsAA on transcript NM_005554.4 (MANE Select); coding-DNA positions 721 to 722, GG replaced by AA.
Protein change: p.Gly241Asn; replaces glycine 241 with asparagine.
Molecular consequence: missense variant.
Genome position (GRCh38, 1-based): chr12:52,491,555-52,491,556, CC replaced by TT on the plus strand (GG replaced by AA on the coding strand, the reverse complement: KRT6A is on the minus strand). VCF-style: chr12-52491555-CC-TT. GRCh37 (hg19) VCF-style: chr12-52885339-CC-TT.
Other names: short protein forms G241N.
Identifiers: ClinVar variation 4751608 (VCV004751608.1).